The following is an entry in ClinVar:

ClinVar aggregate classification (germline): Likely benign. Review status: criteria provided, multiple submitters, no conflicts (2 of 4 stars). 2 submissions from 2 submitters: Likely benign (2). Last evaluated 2025-07-23.

Allele frequency attached by ClinVar (database versions not stated): gnomAD exomes below 0.00001.
gnomAD v4.1: 4 of 1,579,202 alleles (0.00025%); highest among the groups gnomAD compares: African/African-American, 0.0054%; no homozygotes.

Submissions (2):

Women's Health and Genetics/Laboratory Corporation of America, LabCorp
Classification: Likely benign. Last evaluated: 2025-07-23. Review status: criteria provided, single submitter. Criteria: LabCorp Variant Classification Summary - May 2015. Collection method: clinical testing. Allele origin: germline.
Comment: Variant summary: CLCN7 c.1618-11A>G alters a nucleotide located at a position not widely known to affect splicing. Consensus agreement among computation tools predict no significant impact on normal splicing. However, these predictions have yet to be confirmed by functional studies. The frequency data for this variant in gnomAD is considered unreliable, as metrics indicate poor data quality at this position. To our knowledge, no occurrence of c.1618-11A>G in individuals affected with Hypopigmentation, organomegaly, and delayed myelination and development and no experimental evidence demonstrating its impact on protein function have been reported. ClinVar contains an entry for this variant (Variation ID: 1935998). Based on the evidence outlined above, the variant was classified as likely benign.

Labcorp Genetics (formerly Invitae), Labcorp
Classification: Likely benign. Last evaluated: 2022-09-12. Review status: criteria provided, single submitter. Criteria: Invitae Variant Classification Sherloc (09022015). Collection method: clinical testing. Allele origin: germline.

NM_001287.6(CLCN7):c.1618-11A>G

Gene: CLCN7 (chloride voltage-gated channel 7; minus strand). Cytogenetic location: 16p13.3.
Variant type: single nucleotide variant.
Coding change: c.1618-11A>G on transcript NM_001287.6 (MANE Select); 11 bases into the intron before coding-DNA position 1618, A replaced by G.
Molecular consequence: intron variant.
Genome position (GRCh38, 1-based): chr16:1,449,338, T>C on the plus strand (A>G on the coding strand, the complement: CLCN7 is on the minus strand). VCF-style: chr16-1449338-T-C. GRCh37 (hg19) VCF-style: chr16-1499339-T-C.
Other names: c.1546-11A>G (NM_001114331.3).
Identifiers: ClinVar variation 1935998 (VCV001935998.6), dbSNP rs1388208920, ClinGen allele CA620324225.
Genomic context (GRCh38, chr16:1,449,338, plus strand): 5'-AGCTGGGCAGCAGCTCCCATCAGGGCGTATTTGCCGGGGTCCGCCCAGATCTGTGGGAGG[T>C]GACACGGAGGAGGTGTCAGTGTGGTGGCAGGCCCAAACCCACCAAGATACACAGACGGAG-3'